The following is an entry in ClinVar:

ClinVar aggregate classification (germline): Pathogenic (1 of 4 stars; one submission).

Conditions:
Hereditary cancer-predisposing syndrome. Also called: Neoplastic Syndromes, Hereditary; Tumor predisposition; Hereditary Cancer Syndrome; Hereditary neoplastic syndrome. Identifiers: Orphanet 140162, MedGen C0027672, MeSH D009386, MONDO:0015356.

Submission:

Ambry Genetics
Classification: Pathogenic for Hereditary cancer-predisposing syndrome. Last evaluated: 2026-03-18. Review status: criteria provided, single submitter. Criteria: Ambry Variant Classification Scheme 2023. Collection method: clinical testing. Allele origin: germline.
Comment: The c.3089delA pathogenic mutation, located in coding exon 9 of the BRCA1 gene, results from a deletion of one nucleotide at nucleotide position 3089, causing a translational frameshift with a predicted alternate stop codon (p.N1030Tfs*18). This variant is considered to be rare based on population cohorts in the Genome Aggregation Database (gnomAD). This alteration is expected to result in loss of function by premature protein truncation or nonsense-mediated mRNA decay. As such, this alteration is interpreted as a disease-causing mutation.

NM_007294.4(BRCA1):c.3089del (p.Asn1030fs)

Gene: BRCA1 (BRCA1 DNA repair associated; minus strand). Cytogenetic location: 17q21.31.
Variant type: Deletion.
Coding change: c.3089del on transcript NM_007294.4 (MANE Select); coding-DNA position 3089, one base deleted (A; older notation c.3089delA).
Protein change: p.Asn1030fs; shifts the reading frame from asparagine 1030.
Molecular consequence: frameshift variant. On other transcripts: intron variant (137).
Genome position (GRCh38, 1-based): chr17:43,092,442, T deleted on the plus strand (A on the coding strand, the reverse complement: BRCA1 is on the minus strand); the first of 2 consecutive T bases (chr17:43,092,442-43,092,443); deleting either gives the same sequence. VCF-style (leftmost placement, unchanged base first): chr17-43092441-GT-G. GRCh37 (hg19) VCF-style: chr17-41244458-GT-G.
Other names: c.2948del, p.Asn983fs (NM_001407945.1, NM_007297.4, NM_001407942.1 and 29 more transcripts); c.2756del, p.Asn919fs (NM_001407946.1, NM_001407947.1, NM_001407948.1 and 6 more transcripts); c.2753del, p.Asn918fs (NM_001407954.1, NM_001407955.1, NM_001407956.1 and 1 more transcripts); c.2708del, p.Asn903fs (NM_001407959.1, NM_001407960.1, NM_001407963.1); c.2705del, p.Asn902fs (NM_001407962.1); c.2945del, p.Asn982fs (NM_001407964.1, NM_001407943.1, NM_001407740.1 and 20 more transcripts); c.2585del, p.Asn862fs (NM_001407965.1); c.2201del, p.Asn734fs (NM_001407966.1, NM_001407967.1); and 42 more; short protein forms N1003fs, N1004fs, N1027fs, N1029fs, N1030fs, N734fs, N862fs, N902fs.
Identifiers: ClinVar variation 4867698 (VCV004867698.1).